The following is an entry in ClinVar:

NM_014141.6(CNTNAP2):c.*1433A>G

Gene: CNTNAP2 (contactin associated protein 2; plus strand). Cytogenetic location: 7q36.1.
Variant type: single nucleotide variant.
Coding change: c.*1433A>G on transcript NM_014141.6 (MANE Select); 1433 bases downstream of the stop codon, A replaced by G.
Molecular consequence: 3 prime UTR variant.
Genome position (GRCh38, 1-based): chr7:148,417,049, A>G. VCF-style: chr7-148417049-A-G. GRCh37 (hg19) VCF-style: chr7-148114141-A-G.
Identifiers: ClinVar variation 359219 (VCV000359219.7), dbSNP rs78484397, ClinGen allele CA10625442.

ClinVar aggregate classification (germline): Benign. Review status: criteria provided, multiple submitters, no conflicts (2 of 4 stars). 2 submissions from 2 submitters: Benign (2). Last evaluated 2021-05-26.

Conditions:
Cortical dysplasia-focal epilepsy syndrome (PTHSL1). Also called: Pitt-Hopkins-like syndrome 1. Identifiers: Orphanet 163681, Orphanet 221150, MedGen C2750246, MONDO:0012400, OMIM 610042.

Allele frequency attached by ClinVar (database versions not stated): 1000 Genomes Project 0.01058; 1000 Genomes Project 30x 0.01077; gnomAD 0.01267 and 0.01362; TOPMed 0.01401.

Submissions (2):

GeneDx
Classification: Benign. Last evaluated: 2021-05-26. Review status: criteria provided, single submitter. Criteria: GeneDx Variant Classification Process June 2021. Collection method: clinical testing. Allele origin: germline. Affected: yes.

Illumina Laboratory Services, Illumina
Classification: Benign for Cortical dysplasia-focal epilepsy syndrome. Last evaluated: 2018-01-12. Review status: criteria provided, single submitter. Criteria: ICSL Variant Classification Criteria 13 December 2019. Collection method: clinical testing. Allele origin: germline.
Comment: This variant was observed in the ICSL laboratory as part of a predisposition screen in an ostensibly healthy population. It had not been previously curated by ICSL or reported in the Human Gene Mutation Database (HGMD: prior to June 1st, 2018), and was therefore a candidate for classification through an automated scoring system. Utilizing variant allele frequency, disease prevalence and penetrance estimates, and inheritance mode, an automated score was calculated to assess if this variant is too frequent to cause the disease. Based on the score and internal cut-off values, a variant classified as benign is not then subjected to further curation. The score for this variant resulted in a classification of benign for this disease.